The following is an entry in ClinVar:

NM_001379403.1(WDR26):c.2069G>T (p.Ser690Ile)

Gene: WDR26 (WD repeat domain 26; minus strand). Cytogenetic location: 1q42.11.
Variant type: single nucleotide variant.
Coding change: c.2069G>T on transcript NM_001379403.1 (MANE Select); coding-DNA position 2069, G replaced by T.
Protein change: p.Ser690Ile; replaces serine 690 with isoleucine.
Molecular consequence: missense variant.
Genome position (GRCh38, 1-based): chr1:224,398,102, C>A on the plus strand (G>T on the coding strand, the complement: WDR26 is on the minus strand). VCF-style: chr1-224398102-C-A. GRCh37 (hg19) VCF-style: chr1-224585804-C-A.
Other names: c.1721G>T, p.Ser574Ile (NM_001115113.3); c.1769G>T, p.Ser590Ile (NM_025160.7); short protein forms S574I, S590I, S690I.
Identifiers: ClinVar variation 4536537 (VCV004536537.1).
Genomic context (GRCh38, chr1:224,398,102, plus strand): 5'-TGAGATTTACAGACTTTAATATCAACATATGTAAACTGATAAGGACACAATTTACCTTCA[C>A]TGCCACTAGCGATGAAGTCTTCATTATGGCCTCCAAAACATGAATGAATTGTATAAAACC-3'
Protein context (NP_001366332.1, residues 680-700): GHNEDFIASG[Ser690Ile]EDHKVYIWHK

ClinVar aggregate classification (germline): Uncertain significance (1 of 4 stars; one submission).

Submission:

GeneDx
Classification: Uncertain significance. Last evaluated: 2025-06-03. Review status: criteria provided, single submitter. Criteria: GeneDx Variant Classification Process June 2021. Collection method: clinical testing. Allele origin: germline. Affected: yes.
Comment: Not observed at significant frequency in large population cohorts (gnomAD); In silico analysis supports that this missense variant has a deleterious effect on protein structure/function; Has not been previously published as pathogenic or benign to our knowledge